The following is an entry in ClinVar:

ClinVar aggregate classification (germline): Conflicting classifications of pathogenicity. Review status: criteria provided, conflicting classifications (1 of 4 stars). 2 submissions from 2 submitters: Uncertain significance (1); Likely benign (1). Last evaluated 2025-09-16.

Conditions:
Capillary malformation-arteriovenous malformation syndrome. Also called: Capillary malformation-arteriovenous malformation. Identifiers: Orphanet 137667, MedGen C1842180, MONDO:0012016.
Cardiovascular phenotype. Identifiers: MedGen CN230736.

Allele frequency attached by ClinVar (database versions not stated): TOPMed below 0.00001; gnomAD exomes 0.00001 and 0.00002.
gnomAD v4.1: 9 of 1,575,562 alleles (0.00057%); highest among the groups gnomAD compares: Admixed American, 0.0057%; no homozygotes.

Submissions (2):

Labcorp Genetics (formerly Invitae), Labcorp
Classification: Uncertain significance for Capillary malformation-arteriovenous malformation syndrome. Last evaluated: 2025-09-16. Review status: criteria provided, single submitter. Criteria: Invitae Variant Classification Sherloc (09022015). Collection method: clinical testing. Allele origin: germline.
Comment: This sequence change replaces glycine, which is neutral and non-polar, with aspartic acid, which is acidic and polar, at codon 21 of the RASA1 protein (p.Gly21Asp). This variant is present in population databases (no rsID available, gnomAD 0.008%). This variant has not been reported in the literature in individuals affected with RASA1-related conditions. ClinVar contains an entry for this variant (Variation ID: 1523885). An algorithm developed to predict the effect of missense changes on protein structure and function (PolyPhen-2) suggests that this variant is likely to be disruptive. In summary, the available evidence is currently insufficient to determine the role of this variant in disease. Therefore, it has been classified as a Variant of Uncertain Significance.

Ambry Genetics
Classification: Likely benign for Cardiovascular phenotype. Last evaluated: 2024-09-22. Review status: criteria provided, single submitter. Criteria: Ambry Variant Classification Scheme 2023. Collection method: clinical testing. Allele origin: germline.

NM_002890.3(RASA1):c.62G>A (p.Gly21Asp)

Gene: RASA1 (RAS p21 protein activator 1; plus strand). Cytogenetic location: 5q14.3.
Variant type: single nucleotide variant.
Coding change: c.62G>A on transcript NM_002890.3 (MANE Select); coding-DNA position 62, G replaced by A.
Protein change: p.Gly21Asp; replaces glycine 21 with aspartic acid.
Molecular consequence: missense variant.
Genome position (GRCh38, 1-based): chr5:87,268,513, G>A. VCF-style: chr5-87268513-G-A. GRCh37 (hg19) VCF-style: chr5-86564330-G-A.
Other names: short protein forms G21D.
Identifiers: ClinVar variation 1523885 (VCV001523885.7), dbSNP rs1436547254, ClinGen allele CA360416708.